The following is an entry in ClinVar:

ClinVar aggregate classification (germline): Uncertain significance. Review status: criteria provided, multiple submitters, no conflicts (2 of 4 stars). 3 submissions from 3 submitters: Uncertain significance (3). Last evaluated 2024-07-22.

Conditions:
Inborn genetic diseases. Identifiers: MedGen C0950123, MeSH D030342.

Allele frequency attached by ClinVar (database versions not stated): gnomAD exomes below 0.00001; gnomAD 0.00001; TOPMed 0.00001.
gnomAD v4.1: 5 of 1,612,592 alleles (0.00031%); highest among the groups gnomAD compares: African/African-American, 0.004%; no homozygotes.

Submissions (3):

GeneDx
Classification: Uncertain significance. Last evaluated: 2024-07-22. Review status: criteria provided, single submitter. Criteria: GeneDx Variant Classification Process June 2021. Collection method: clinical testing. Allele origin: germline. Affected: yes.
Comment: Not observed at significant frequency in large population cohorts (gnomAD); In silico analysis supports that this missense variant has a deleterious effect on protein structure/function; Has not been previously published as pathogenic or benign to our knowledge

Ambry Genetics
Classification: Uncertain significance for Inborn genetic diseases. Last evaluated: 2023-02-13. Review status: criteria provided, single submitter. Criteria: Ambry Variant Classification Scheme 2023. Collection method: clinical testing. Allele origin: germline.

Labcorp Genetics (formerly Invitae), Labcorp
Classification: Uncertain significance. Last evaluated: 2022-05-19. Review status: criteria provided, single submitter. Criteria: Invitae Variant Classification Sherloc (09022015). Collection method: clinical testing. Allele origin: germline.
Comment: This variant has not been reported in the literature in individuals affected with RARS2-related conditions. This variant is present in population databases (no rsID available, gnomAD 0.007%). This sequence change replaces phenylalanine, which is neutral and non-polar, with leucine, which is neutral and non-polar, at codon 392 of the RARS2 protein (p.Phe392Leu). In summary, the available evidence is currently insufficient to determine the role of this variant in disease. Therefore, it has been classified as a Variant of Uncertain Significance. Advanced modeling of protein sequence and biophysical properties (such as structural, functional, and spatial information, amino acid conservation, physicochemical variation, residue mobility, and thermodynamic stability) performed at Invitae indicates that this missense variant is not expected to disrupt RARS2 protein function.

NM_020320.5(RARS2):c.1176C>A (p.Phe392Leu)

Gene: RARS2 (arginyl-tRNA synthetase 2, mitochondrial; minus strand). Cytogenetic location: 6q15.
Variant type: single nucleotide variant.
Coding change: c.1176C>A on transcript NM_020320.5 (MANE Select); coding-DNA position 1176, C replaced by A.
Protein change: p.Phe392Leu; replaces phenylalanine 392 with leucine.
Molecular consequence: missense variant. On other transcripts: non-coding transcript variant (23).
Genome position (GRCh38, 1-based): chr6:87,519,644, G>T on the plus strand (C>A on the coding strand, the complement: RARS2 is on the minus strand). VCF-style: chr6-87519644-G-T. GRCh37 (hg19) VCF-style: chr6-88229362-G-T.
Other names: c.1176C>A (NM_020320.3); c.651C>A, p.Phe217Leu (NM_001318785.2, NM_001350506.2, NM_001350507.2 and 4 more transcripts); c.1176C>A, p.Phe392Leu (NM_001350505.2); short protein forms F217L, F392L.
Identifiers: ClinVar variation 2141325 (VCV002141325.7), dbSNP rs997236834, ClinGen allele CA142841189.
Genomic context (GRCh38, chr6:87,519,644, plus strand): 5'-CTTAATTGAAGCCATGTTCTGTAGCATCCTTAATTGAATCTCATTTAAAACATCTTCCAG[G>T]AAAGTGACATCTCCTCTTCGAGTCTTCATTCCCTGTACTACTCCAAAGGGCACGTGCTGG-3'
Protein context (NP_064716.2, residues 382-402): GMKTRRGDVT[Phe392Leu]LEDVLNEIQL